The following is an entry in ClinVar:

ClinVar aggregate classification (germline): Uncertain significance (1 of 4 stars; one submission).

Allele frequency attached by ClinVar (database versions not stated): gnomAD exomes below 0.00001; TOPMed below 0.00001; gnomAD 0.00001.
gnomAD v4.1: 3 of 1,614,070 alleles (0.00019%); highest among the groups gnomAD compares: Admixed American, 0.0033%; no homozygotes.

Submission:

Labcorp Genetics (formerly Invitae), Labcorp
Classification: Uncertain significance. Last evaluated: 2021-11-03. Review status: criteria provided, single submitter. Criteria: Invitae Variant Classification Sherloc (09022015). Collection method: clinical testing. Allele origin: germline.
Comment: In summary, the available evidence is currently insufficient to determine the role of this variant in disease. Therefore, it has been classified as a Variant of Uncertain Significance. Algorithms developed to predict the effect of missense changes on protein structure and function (SIFT, PolyPhen-2, Align-GVGD) all suggest that this variant is likely to be tolerated. This variant has not been reported in the literature in individuals affected with PIGP-related conditions. This variant is present in population databases (no rsID available, gnomAD 0.006%). This sequence change replaces threonine, which is neutral and polar, with isoleucine, which is neutral and non-polar, at codon 6 of the PIGP protein (p.Thr6Ile).

NM_153682.3(PIGP):c.-22-34C>T

Genes: PIGP (phosphatidylinositol glycan anchor biosynthesis class P; minus strand), LOC130066643 (ATAC-STARR-seq lymphoblastoid silent region 13296; plus strand). Cytogenetic location: 21q22.13.
Variant type: single nucleotide variant.
Coding change: c.-22-34C>T on transcript NM_153682.3 (MANE Select); 34 bases into the intron before 22 bases upstream of the start codon, C replaced by T.
Molecular consequence: intron variant. On other transcripts: missense variant (1).
Genome position (GRCh38, 1-based): chr21:37,072,571, G>A on the plus strand (C>T on the coding strand, the complement: PIGP is on the minus strand). VCF-style: chr21-37072571-G-A. GRCh37 (hg19) VCF-style: chr21-38444871-G-A.
Other names: c.17C>T, p.Thr6Ile (NM_153681.2); c.-266-34C>T (NM_016430.4); c.-22-34C>T (NM_001320480.2); short protein forms T6I.
Identifiers: ClinVar variation 1470042 (VCV001470042.6), dbSNP rs1466858133, ClinGen allele CA409921797.